The following is an entry in ClinVar:

NM_000051.4(ATM):c.7951C>G (p.Gln2651Glu)

Genes: ATM (ATM serine/threonine kinase; plus strand), C11orf65 (chromosome 11 open reading frame 65; minus strand). Cytogenetic location: 11q22.3.
Variant type: single nucleotide variant.
Coding change: c.7951C>G on transcript NM_000051.4 (MANE Select); coding-DNA position 7951, C replaced by G.
Protein change: p.Gln2651Glu; replaces glutamine 2651 with glutamic acid.
Molecular consequence: missense variant. On other transcripts: intron variant (2).
Genome position (GRCh38, 1-based): chr11:108,333,909, C>G. VCF-style: chr11-108333909-C-G. GRCh37 (hg19) VCF-style: chr11-108204636-C-G.
Other names: c.7951C>G, p.Gln2651Glu (NM_001351834.2); c.641-24838G>C (NM_001330368.2); c.*38+1311G>C (NM_001351110.2); short protein forms Q2651E.
Identifiers: ClinVar variation 1410462 (VCV001410462.9), dbSNP rs587781994, ClinGen allele CA382561695.
Genomic context (GRCh38, chr11:108,333,909, plus strand): 5'-CAGTTTGTCACTAAAATCTCTTCATTTTTAAATACAGAAGGCATAAATATTCCAGCAGAC[C>G]AGCCAATTACTAAACTTAAGAATTTAGAAGATGTTGTTGTCCCTACTATGGAAATTAAGG-3'
Protein context (NP_000042.3, residues 2641-2661): QRKGINIPAD[Gln2651Glu]PITKLKNLED

ClinVar aggregate classification (germline): Uncertain significance. Review status: criteria provided, multiple submitters, no conflicts (2 of 4 stars). 2 submissions from 2 submitters: Uncertain significance (2). Last evaluated 2026-06-29.

Conditions:
Ataxia-telangiectasia syndrome (AT). Also called: Ataxia-telangiectasia; LOUIS-BAR SYNDROME; Ataxia-telangiectasia, complementation group D; AT, COMPLEMENTATION GROUP C; ATAXIA-TELANGIECTASIA, COMPLEMENTATION GROUP A; ATAXIA-TELANGIECTASIA, FRESNO VARIANT. Identifiers: Orphanet 100, MedGen C0004135, MONDO:0008840, OMIM 208900.
Hereditary cancer-predisposing syndrome. Also called: Tumor predisposition; Neoplastic Syndromes, Hereditary; Hereditary Cancer Syndrome; Hereditary neoplastic syndrome. Identifiers: Orphanet 140162, MedGen C0027672, MeSH D009386, MONDO:0015356.

Submissions (2):

Ambry Genetics
Classification: Uncertain significance for Hereditary cancer-predisposing syndrome. Last evaluated: 2026-06-29. Review status: criteria provided, single submitter. Criteria: Ambry Variant Classification Scheme 2023. Collection method: clinical testing. Allele origin: germline.
Comment: The p.Q2651E variant (also known as c.7951C>G), located in coding exon 53 of the ATM gene, results from a C to G substitution at nucleotide position 7951. The glutamine at codon 2651 is replaced by glutamic acid, an amino acid with highly similar properties. In an assay testing ATM function, this variant showed a functionally indeterminant result (Lee KS et al. Cell, 2025 Sep;188:5081-5099.e27). This amino acid position is highly conserved in available vertebrate species. In addition, the in silico prediction for this alteration is inconclusive. Based on the available evidence, the clinical significance of this variant remains unclear.

Labcorp Genetics (formerly Invitae), Labcorp
Classification: Uncertain significance for Ataxia-telangiectasia syndrome. Last evaluated: 2021-02-24. Review status: criteria provided, single submitter. Criteria: Invitae Variant Classification Sherloc (09022015). Collection method: clinical testing. Allele origin: germline.
Comment: In summary, the available evidence is currently insufficient to determine the role of this variant in disease. Therefore, it has been classified as a Variant of Uncertain Significance. Advanced modeling of protein sequence and biophysical properties (such as structural, functional, and spatial information, amino acid conservation, physicochemical variation, residue mobility, and thermodynamic stability) performed at Invitae indicates that this missense variant is expected to disrupt ATM protein function. This variant has not been reported in the literature in individuals with ATM-related conditions. This variant is not present in population databases (ExAC no frequency). This sequence change replaces glutamine with glutamic acid at codon 2651 of the ATM protein (p.Gln2651Glu). The glutamine residue is highly conserved and there is a small physicochemical difference between glutamine and glutamic acid.

Literature cited by the submitters: PubMed 40580951 (cited by Ambry Genetics).